The following is an entry in ClinVar:

ClinVar aggregate classification (germline): Uncertain significance. Review status: criteria provided, multiple submitters, no conflicts (2 of 4 stars). 2 submissions from 2 submitters: Uncertain significance (2). Last evaluated 2026-01-23.

Conditions:
Early-infantile DEE. Also called: Early infantile epileptic encephalopathy with suppression bursts; Ohtahara syndrome; Early infantile epileptic encephalopathy. Identifiers: Orphanet 1934, MedGen C0393706, MONDO:0800491.

gnomAD v4.1: 1 of 1,613,806 alleles (0.000062%); highest among the groups gnomAD compares: Non-Finnish European, 0.000085%; no homozygotes.

Submissions (2):

GeneDx
Classification: Uncertain significance. Last evaluated: 2026-01-23. Review status: criteria provided, single submitter. Criteria: GeneDx Variant Classification Process June 2021. Collection method: clinical testing. Allele origin: germline.
Comment: Not observed at significant frequency in large population cohorts (gnomAD); In silico analysis supports that this missense variant has a deleterious effect on protein structure/function; Has not been previously published as pathogenic or benign to our knowledge; This substitution is predicted to be within the cytoplasmic loop between the first and second homologous domains

Labcorp Genetics (formerly Invitae), Labcorp
Classification: Uncertain significance for Early-infantile DEE. Last evaluated: 2025-05-08. Review status: criteria provided, single submitter. Criteria: Invitae Variant Classification Sherloc (09022015). Collection method: clinical testing. Allele origin: germline.
Comment: This sequence change replaces proline, which is neutral and non-polar, with alanine, which is neutral and non-polar, at codon 753 of the SCN8A protein (p.Pro753Ala). This variant is not present in population databases (gnomAD no frequency). This variant has not been reported in the literature in individuals affected with SCN8A-related conditions. ClinVar contains an entry for this variant (Variation ID: 3630112). Invitae Evidence Modeling of protein sequence and biophysical properties (such as structural, functional, and spatial information, amino acid conservation, physicochemical variation, residue mobility, and thermodynamic stability) indicates that this missense variant is expected to disrupt SCN8A protein function with a positive predictive value of 95%. In summary, the available evidence is currently insufficient to determine the role of this variant in disease. Therefore, it has been classified as a Variant of Uncertain Significance.

NM_001330260.2(SCN8A):c.2257C>G (p.Pro753Ala)

Gene: SCN8A (sodium voltage-gated channel alpha subunit 8; plus strand). Cytogenetic location: 12q13.13.
Variant type: single nucleotide variant.
Coding change: c.2257C>G on transcript NM_001330260.2 (MANE Select); coding-DNA position 2257, C replaced by G.
Protein change: p.Pro753Ala; replaces proline 753 with alanine.
Molecular consequence: missense variant.
Genome position (GRCh38, 1-based): chr12:51,751,480, C>G. VCF-style: chr12-51751480-C-G. GRCh37 (hg19) VCF-style: chr12-52145264-C-G.
Other names: c.2257C>G, p.Pro753Ala (NM_001177984.3, NM_001369788.1, NM_014191.4); c.2257C>G (NM_014191.3, NM_001330260.1); short protein forms P753A.
Identifiers: ClinVar variation 3630112 (VCV003630112.4).